The following is an entry in ClinVar:

ClinVar aggregate classification (germline): Uncertain significance (1 of 4 stars; one submission).

Allele frequency attached by ClinVar (database versions not stated): gnomAD exomes below 0.00001; TOPMed below 0.00001.
gnomAD v4.1: 3 of 1,614,012 alleles (0.00019%); highest among the groups gnomAD compares: Non-Finnish European, 0.00025%; no homozygotes.

Submission:

Labcorp Genetics (formerly Invitae), Labcorp
Classification: Uncertain significance. Last evaluated: 2022-11-01. Review status: criteria provided, single submitter. Criteria: Invitae Variant Classification Sherloc (09022015). Collection method: clinical testing. Allele origin: germline.
Comment: This sequence change replaces alanine, which is neutral and non-polar, with valine, which is neutral and non-polar, at codon 227 of the FZD4 protein (p.Ala227Val). In summary, the available evidence is currently insufficient to determine the role of this variant in disease. Therefore, it has been classified as a Variant of Uncertain Significance. Advanced modeling of protein sequence and biophysical properties (such as structural, functional, and spatial information, amino acid conservation, physicochemical variation, residue mobility, and thermodynamic stability) performed at Invitae indicates that this missense variant is not expected to disrupt FZD4 protein function. ClinVar contains an entry for this variant (Variation ID: 1418568). This variant has not been reported in the literature in individuals affected with FZD4-related conditions. This variant is present in population databases (no rsID available, gnomAD 0.0009%).

NM_012193.4(FZD4):c.680C>T (p.Ala227Val)

Genes: FZD4 (frizzled class receptor 4; minus strand), PRSS23 (serine protease 23; plus strand). Cytogenetic location: 11q14.2.
Variant type: single nucleotide variant.
Coding change: c.680C>T on transcript NM_012193.4 (MANE Select); coding-DNA position 680, C replaced by T.
Protein change: p.Ala227Val; replaces alanine 227 with valine.
Molecular consequence: missense variant. On other transcripts: non-coding transcript variant (2).
Genome position (GRCh38, 1-based): chr11:86,952,076, G>A on the plus strand (C>T on the coding strand, the complement: FZD4 is on the minus strand). VCF-style: chr11-86952076-G-A. GRCh37 (hg19) VCF-style: chr11-86663118-G-A.
Other names: short protein forms A227V.
Identifiers: ClinVar variation 1418568 (VCV001418568.8), dbSNP rs1280862141, ClinGen allele CA382014895.
Genomic context (GRCh38, chr11:86,952,076, plus strand): 5'-CTAGAAGAATCGATCAGGAAGGTCAGTACTGTGAAGGCAGTGGAGATGAAACACAGGCTG[G>A]CCCACACAGCCATCCAGATATCAGTGAACTCCTTGGCTGAGCGGCTGTATAAGCCAGCAT-3'
Protein context (NP_036325.2, residues 217-237): EFTDIWMAVW[Ala227Val]SLCFISTAFT